The following is an entry in ClinVar:

ClinVar aggregate classification (germline): Likely pathogenic (1 of 4 stars; one submission).

Conditions:
Aniridia 1 (AN1). Identifiers: Orphanet 250923, MedGen C0344542, MONDO:0024507, OMIM 106210.

Submission:

3billion
Classification: Likely pathogenic for Aniridia 1. Last evaluated: 2024-01-25. Review status: criteria provided, single submitter. Criteria: ACMG Guidelines, 2015. Collection method: clinical testing. Allele origin: germline. Affected: yes.
Comment: The variant is not observed in the gnomAD v2.1.1 dataset. Predicted Consequence/Location: Frameshift: predicted to result in a loss or disruption of normal protein function through protein truncation. Multiple pathogenic variants are reported in the predicted truncated region. The variant has been reported to be associated with PAX6 related disorder (PMID: 32467297). Therefore, this variant is classified as Likely pathogenic according to the recommendation of ACMG/AMP guideline.

Literature cited by the submitters: PubMed 32467297.

NM_001368894.2(PAX6):c.1307del (p.Gln436fs)

Genes: ELP4 (elongator acetyltransferase complex subunit 4; plus strand), PAX6 (paired box 6; minus strand). Cytogenetic location: 11p13.
Variant type: Deletion.
Coding change: c.1307del on transcript NM_001368894.2 (MANE Select); coding-DNA position 1307, one base deleted (A; older notation c.1307delA).
Protein change: p.Gln436fs; shifts the reading frame from glutamine 436.
Molecular consequence: frameshift variant. On other transcripts: 3 prime UTR variant (3), non-coding transcript variant (2).
Genome position (GRCh38, 1-based): chr11:31,789,938, T deleted on the plus strand (A on the coding strand, the reverse complement: PAX6 is on the minus strand). VCF-style (leftmost placement, unchanged base first): chr11-31789937-CT-C. GRCh37 (hg19) VCF-style: chr11-31811485-CT-C.
Other names: c.*6400del (NM_001288725.2); c.*6509del (NM_001288726.2); c.*6414del (NM_019040.5); c.1265del, p.Gln422fs (NM_000280.6, NM_001127612.3, NM_001258464.2 and 6 more transcripts); c.1307del, p.Gln436fs (NM_001258462.3, NM_001258463.2, NM_001310158.2 and 3 more transcripts); c.857del, p.Gln286fs (NM_001310160.2, NM_001310161.3, NM_001368899.2 and 10 more transcripts); c.1508del, p.Gln503fs (NM_001368910.2); c.1159del, p.Ser387fs (NM_001368911.2); and 9 more; short protein forms Q221fs, Q286fs, Q355fs, Q369fs, Q422fs, Q436fs, Q447fs, Q461fs.
Identifiers: ClinVar variation 3776221 (VCV003776221.1).